The following is an entry in ClinVar:

ClinVar aggregate classification (germline): Uncertain significance (1 of 4 stars; one submission).

Submission:

Ambry Genetics
Classification: Uncertain significance. Last evaluated: 2022-02-03. Review status: criteria provided, single submitter. Criteria: Ambry Variant Classification Scheme 2023. Collection method: clinical testing. Allele origin: germline.
Comment: The p.E135D variant (also known as c.405A>C), located in coding exon 3 of the ALPK2 gene, results from an A to C substitution at nucleotide position 405. The glutamic acid at codon 135 is replaced by aspartic acid, an amino acid with highly similar properties. This amino acid position is conserved. In addition, this alteration is predicted to be tolerated by in silico analysis. Since supporting evidence is limited at this time, the clinical significance of this alteration remains unclear.

NM_052947.4(ALPK2):c.405A>C (p.Glu135Asp)

Gene: ALPK2 (alpha kinase 2; minus strand). Cytogenetic location: 18q21.31.
Variant type: single nucleotide variant.
Coding change: c.405A>C on transcript NM_052947.4 (MANE Select); coding-DNA position 405, A replaced by C.
Protein change: p.Glu135Asp; replaces glutamic acid 135 with aspartic acid.
Molecular consequence: missense variant.
Genome position (GRCh38, 1-based): chr18:58,580,371, T>G on the plus strand (A>C on the coding strand, the complement: ALPK2 is on the minus strand). VCF-style: chr18-58580371-T-G. GRCh37 (hg19) VCF-style: chr18-56247603-T-G.
Other names: short protein forms E135D.
Identifiers: ClinVar variation 1737436 (VCV001737436.2), dbSNP rs2518900295, ClinGen allele CA402568047.